The following is an entry in ClinVar:

ClinVar aggregate classification (germline): Uncertain significance. Review status: criteria provided, multiple submitters, no conflicts (2 of 4 stars). 2 submissions from 2 submitters: Uncertain significance (2). Last evaluated 2026-02-20.

Conditions:
Aldosterone-producing adenoma with seizures and neurological abnormalities. Also called: Primary aldosteronism, seizures, and neurologic abnormalities. Identifiers: Orphanet 369929, MedGen C3809609, MONDO:0014200, OMIM 615474.

gnomAD v4.1: 2 of 1,598,884 alleles (0.00013%); highest among the groups gnomAD compares: Non-Finnish European, 0.00017%; no homozygotes.

Submissions (2):

Clinical Genomics Laboratory, Washington University in St. Louis
Classification: Uncertain significance for Aldosterone-producing adenoma with seizures and neurological abnormalities. Last evaluated: 2026-02-20. Review status: criteria provided, single submitter. Criteria: ACMG Guidelines, 2015. Collection method: clinical testing. Allele origin: germline.
Comment: The CACNA1D c.3781C>G (p.Pro1261Ala) variant, to our knowledge, has not been reported in the medical literature. This variant is only observed in 2/1598884 alleles in the general population (gnomAD v4.1.0), indicating it is not a common variant. Computational predictors are uncertain as to the impact of this variant on CACNA1D function. Due to limited information, and based on ACMG/AMP guidelines for variant interpretation (Richards S et al., PMID: 25741868), the clinical significance of this variant is uncertain at this time.

Labcorp Genetics (formerly Invitae), Labcorp
Classification: Uncertain significance. Last evaluated: 2025-05-19. Review status: criteria provided, single submitter. Criteria: Invitae Variant Classification Sherloc (09022015). Collection method: clinical testing. Allele origin: germline.
Comment: This sequence change replaces proline, which is neutral and non-polar, with alanine, which is neutral and non-polar, at codon 1281 of the CACNA1D protein (p.Pro1281Ala). This variant is present in population databases (no rsID available, gnomAD 0.007%). This variant has not been reported in the literature in individuals affected with CACNA1D-related conditions. Invitae Evidence Modeling of protein sequence and biophysical properties (such as structural, functional, and spatial information, amino acid conservation, physicochemical variation, residue mobility, and thermodynamic stability) indicates that this missense variant is not expected to disrupt CACNA1D protein function with a negative predictive value of 80%. In summary, the available evidence is currently insufficient to determine the role of this variant in disease. Therefore, it has been classified as a Variant of Uncertain Significance.

NM_001128840.3(CACNA1D):c.3781C>G (p.Pro1261Ala)

Gene: CACNA1D (calcium voltage-gated channel subunit alpha1 D; plus strand). Cytogenetic location: 3p21.1.
Variant type: single nucleotide variant.
Coding change: c.3781C>G on transcript NM_001128840.3 (MANE Select); coding-DNA position 3781, C replaced by G.
Protein change: p.Pro1261Ala; replaces proline 1261 with alanine.
Molecular consequence: missense variant.
Genome position (GRCh38, 1-based): chr3:53,753,677, C>G. VCF-style: chr3-53753677-C-G. GRCh37 (hg19) VCF-style: chr3-53787704-C-G.
Other names: c.3841C>G, p.Pro1281Ala (NM_000720.4); c.3781C>G, p.Pro1261Ala (NM_001128839.3); short protein forms P1261A, P1281A.
Identifiers: ClinVar variation 4766010 (VCV004766010.2).